The following is an entry in ClinVar:

NM_005591.4(MRE11):c.383A>G (p.Asn128Ser)

Gene: MRE11 (MRE11 double strand break repair nuclease; minus strand). Cytogenetic location: 11q21.
Variant type: single nucleotide variant.
Coding change: c.383A>G on transcript NM_005591.4 (MANE Select); coding-DNA position 383, A replaced by G.
Protein change: p.Asn128Ser; replaces asparagine 128 with serine.
Molecular consequence: missense variant.
Genome position (GRCh38, 1-based): chr11:94,479,693, T>C on the plus strand (A>G on the coding strand, the complement: MRE11 is on the minus strand). VCF-style: chr11-94479693-T-C. GRCh37 (hg19) VCF-style: chr11-94212859-T-C.
Other names: c.383A>G, p.Asn128Ser (NM_001330347.2, NM_005590.4); short protein forms N128S.
Identifiers: ClinVar variation 824283 (VCV000824283.4), dbSNP rs1591708537, ClinGen allele CA382378313.

ClinVar aggregate classification (germline): Uncertain significance (1 of 4 stars; one submission).

Conditions:
Hereditary cancer-predisposing syndrome. Also called: Neoplastic Syndromes, Hereditary; Tumor predisposition; Hereditary neoplastic syndrome; Hereditary Cancer Syndrome. Identifiers: Orphanet 140162, MedGen C0027672, MeSH D009386, MONDO:0015356.

Allele frequency attached by ClinVar (database versions not stated): gnomAD exomes below 0.00001.
gnomAD v4.1: 1 of 1,612,972 alleles (0.000062%); highest among the groups gnomAD compares: Non-Finnish European, 0.000085%; no homozygotes.

Submission:

Ambry Genetics
Classification: Uncertain significance for Hereditary cancer-predisposing syndrome. Last evaluated: 2018-07-09. Review status: criteria provided, single submitter. Criteria: Ambry Variant Classification Scheme 2023. Collection method: clinical testing. Allele origin: germline.
Comment: The p.N128S variant (also known as c.383A>G), located in coding exon 4 of the MRE11A gene, results from an A to G substitution at nucleotide position 383. The asparagine at codon 128 is replaced by serine, an amino acid with highly similar properties. This amino acid position is highly conserved in available vertebrate species. In addition, this alteration is predicted to be deleterious by in silico analysis. Since supporting evidence is limited at this time, the clinical significance of this alteration remains unclear.